The following is an entry in ClinVar:

NM_001370259.2(MEN1):c.131T>C (p.Val44Ala)

Gene: MEN1 (menin 1; minus strand). Cytogenetic location: 11q13.1.
Variant type: single nucleotide variant.
Coding change: c.131T>C on transcript NM_001370259.2 (MANE Select); coding-DNA position 131, T replaced by C.
Protein change: p.Val44Ala; replaces valine 44 with alanine.
Molecular consequence: missense variant. On other transcripts: non-coding transcript variant (4).
Genome position (GRCh38, 1-based): chr11:64,809,979, A>G on the plus strand (T>C on the coding strand, the complement: MEN1 is on the minus strand). VCF-style: chr11-64809979-A-G. GRCh37 (hg19) VCF-style: chr11-64577451-A-G.
Other names: c.131T>C, p.Val44Ala (NM_000244.4, NM_001370251.2, NM_001370260.2 and 20 more transcripts); short protein forms V44A.
Identifiers: ClinVar variation 3720090 (VCV003720090.2).

ClinVar aggregate classification (germline): Uncertain significance (1 of 4 stars; one submission).

Conditions:
Multiple endocrine neoplasia, type 1 (MEN1). Also called: MEN I; WERMER SYNDROME; Endocrine adenomatosis multiple; MEN 1; MEA I. Identifiers: Orphanet 652, MedGen C0025267, MeSH D018761, MONDO:0007540, OMIM 131100.

Submission:

Labcorp Genetics (formerly Invitae), Labcorp
Classification: Uncertain significance for Multiple endocrine neoplasia, type 1. Last evaluated: 2024-08-22. Review status: criteria provided, single submitter. Criteria: Invitae Variant Classification Sherloc (09022015). Collection method: clinical testing. Allele origin: germline.
Comment: This sequence change replaces valine, which is neutral and non-polar, with alanine, which is neutral and non-polar, at codon 44 of the MEN1 protein (p.Val44Ala). This variant is not present in population databases (gnomAD no frequency). This variant has not been reported in the literature in individuals affected with MEN1-related conditions. Invitae Evidence Modeling of protein sequence and biophysical properties (such as structural, functional, and spatial information, amino acid conservation, physicochemical variation, residue mobility, and thermodynamic stability) indicates that this missense variant is expected to disrupt MEN1 protein function with a positive predictive value of 95%. In summary, the available evidence is currently insufficient to determine the role of this variant in disease. Therefore, it has been classified as a Variant of Uncertain Significance.